The following is an entry in ClinVar:

ClinVar aggregate classification (germline): Uncertain significance. Review status: criteria provided, multiple submitters, no conflicts (2 of 4 stars). 2 submissions from 2 submitters: Uncertain significance (2). Last evaluated 2025-01-26.

Allele frequency attached by ClinVar (database versions not stated): gnomAD 0.00004; TOPMed 0.00004; ExAC 0.00003; ESP Exome Variant Server 0.00008.
gnomAD v4.1: 14 of 1,613,986 alleles (0.00087%); highest among the groups gnomAD compares: African/African-American, 0.0067%; no homozygotes.

Submissions (2):

Ambry Genetics
Classification: Uncertain significance. Last evaluated: 2025-01-26. Review status: criteria provided, single submitter. Criteria: Ambry Variant Classification Scheme 2023. Collection method: clinical testing. Allele origin: germline.

Labcorp Genetics (formerly Invitae), Labcorp
Classification: Uncertain significance. Last evaluated: 2022-10-17. Review status: criteria provided, single submitter. Criteria: Invitae Variant Classification Sherloc (09022015). Collection method: clinical testing. Allele origin: germline.
Comment: In summary, the available evidence is currently insufficient to determine the role of this variant in disease. Therefore, it has been classified as a Variant of Uncertain Significance. Algorithms developed to predict the effect of missense changes on protein structure and function (SIFT, PolyPhen-2, Align-GVGD) all suggest that this variant is likely to be tolerated. This variant has not been reported in the literature in individuals affected with EFNA4-related conditions. This variant is present in population databases (rs142999275, gnomAD 0.006%). This sequence change replaces arginine, which is basic and polar, with glutamine, which is neutral and polar, at codon 92 of the EFNA4 protein (p.Arg92Gln).

NM_005227.3(EFNA4):c.275G>A (p.Arg92Gln)

Genes: ADAM15-EFNA4 (ADAM15-EFNA4 readthrough; plus strand), EFNA4 (ephrin A4; plus strand), EFNA4-EFNA3 (EFNA4-EFNA3 readthrough; plus strand). Cytogenetic location: 1q21.3.
Variant type: single nucleotide variant.
Coding change: c.275G>A on transcript NM_005227.3 (MANE Select); coding-DNA position 275, G replaced by A.
Protein change: p.Arg92Gln; replaces arginine 92 with glutamine.
Molecular consequence: missense variant.
Genome position (GRCh38, 1-based): chr1:155,066,891, G>A. VCF-style: chr1-155066891-G-A. GRCh37 (hg19) VCF-style: chr1-155039367-G-A.
Other names: c.47G>A, p.Arg16Gln (NM_001406810.1); c.275G>A, p.Arg92Gln (NM_182689.2, NM_182690.3); c.275G>A (NM_182689.1); short protein forms R92Q, R16Q.
Identifiers: ClinVar variation 2074140 (VCV002074140.5), dbSNP rs142999275, ClinGen allele CA1137601.